The following is an entry in ClinVar:

ClinVar aggregate classification (germline): Conflicting classifications of pathogenicity. Review status: criteria provided, conflicting classifications (1 of 4 stars). 2 submissions from 2 submitters: Uncertain significance (1); Likely benign (1). Last evaluated 2025-05-15.

Allele frequency attached by ClinVar (database versions not stated): gnomAD 0.00004; ExAC 0.00017.
gnomAD v4.1: 93 of 1,613,372 alleles (0.0058%); highest among the groups gnomAD compares: Non-Finnish European, 0.007%; no homozygotes.

Submissions (2):

Labcorp Genetics (formerly Invitae), Labcorp
Classification: Uncertain significance. Last evaluated: 2025-05-15. Review status: criteria provided, single submitter. Criteria: Invitae Variant Classification Sherloc (09022015). Collection method: clinical testing. Allele origin: germline.
Comment: This sequence change replaces alanine, which is neutral and non-polar, with threonine, which is neutral and polar, at codon 48 of the CAPN5 protein (p.Ala48Thr). This variant is present in population databases (rs782484868, gnomAD 0.02%). This variant has not been reported in the literature in individuals affected with CAPN5-related conditions. ClinVar contains an entry for this variant (Variation ID: 3018006). Invitae Evidence Modeling of protein sequence and biophysical properties (such as structural, functional, and spatial information, amino acid conservation, physicochemical variation, residue mobility, and thermodynamic stability) indicates that this missense variant is not expected to disrupt CAPN5 protein function with a negative predictive value of 80%. In summary, the available evidence is currently insufficient to determine the role of this variant in disease. Therefore, it has been classified as a Variant of Uncertain Significance.

Blueprint Genetics
Classification: Likely benign. Last evaluated: 2022-10-18. Review status: criteria provided, single submitter. Criteria: ACMG Guidelines, 2015. Collection method: clinical testing. Allele origin: germline.

NM_004055.5(CAPN5):c.142G>A (p.Ala48Thr)

Gene: CAPN5 (calpain 5; plus strand). Cytogenetic location: 11q13.5.
Variant type: single nucleotide variant.
Coding change: c.142G>A on transcript NM_004055.5 (MANE Select); coding-DNA position 142, G replaced by A.
Protein change: p.Ala48Thr; replaces alanine 48 with threonine.
Molecular consequence: missense variant.
Genome position (GRCh38, 1-based): chr11:77,085,028, G>A. VCF-style: chr11-77085028-G-A. GRCh37 (hg19) VCF-style: chr11-76796074-G-A.
Other names: c.142G>A, p.Ala48Thr (NM_001425321.1, NM_001425322.1, NM_001425323.1); short protein forms A48T.
Identifiers: ClinVar variation 3018006 (VCV003018006.4), dbSNP rs782484868, ClinGen allele CA6196131.
Genomic context (GRCh38, chr11:77,085,028, plus strand): 5'-GAGGACCCCCTCTTCCCCGCCACTGACGACTCACTCTACTATAAGGGCACGCCGGGGCCC[G>A]CCGTCAGGTGGAAGCGACCCAAGGTCAGTGTCTGGTCCCAGCTGGAGCTGGGTGAGCGGG-3'
Protein context (NP_004046.2, residues 38-58): SLYYKGTPGP[Ala48Thr]VRWKRPKGIC